The following is an entry in ClinVar:

ClinVar aggregate classification (germline): Uncertain significance (1 of 4 stars; one submission).

Allele frequency attached by ClinVar (database versions not stated): gnomAD exomes below 0.00001.

Submission:

Labcorp Genetics (formerly Invitae), Labcorp
Classification: Uncertain significance. Last evaluated: 2023-10-23. Review status: criteria provided, single submitter. Criteria: Invitae Variant Classification Sherloc (09022015). Collection method: clinical testing. Allele origin: germline.
Comment: This sequence change replaces cysteine, which is neutral and slightly polar, with glycine, which is neutral and non-polar, at codon 200 of the TNFAIP3 protein (p.Cys200Gly). This variant is not present in population databases (gnomAD no frequency). This variant has not been reported in the literature in individuals affected with TNFAIP3-related conditions. Advanced modeling of protein sequence and biophysical properties (such as structural, functional, and spatial information, amino acid conservation, physicochemical variation, residue mobility, and thermodynamic stability) performed at Invitae indicates that this missense variant is not expected to disrupt TNFAIP3 protein function with a negative predictive value of 80%. In summary, the available evidence is currently insufficient to determine the role of this variant in disease. Therefore, it has been classified as a Variant of Uncertain Significance.

NM_001270508.2(TNFAIP3):c.598T>G (p.Cys200Gly)

Genes: TNFAIP3 (TNF alpha induced protein 3; plus strand), LOC126859807 (MED14-independent group 3 enhancer GRCh37_chr6:138196296-138197495; plus strand). Cytogenetic location: 6q23.3.
Variant type: single nucleotide variant.
Coding change: c.598T>G on transcript NM_001270508.2 (MANE Select); coding-DNA position 598, T replaced by G.
Protein change: p.Cys200Gly; replaces cysteine 200 with glycine.
Molecular consequence: missense variant.
Genome position (GRCh38, 1-based): chr6:137,875,799, T>G. VCF-style: chr6-137875799-T-G. GRCh37 (hg19) VCF-style: chr6-138196936-T-G.
Other names: c.598T>G, p.Cys200Gly (NM_001270507.2, NM_006290.4); short protein forms C200G.
Identifiers: ClinVar variation 2798717 (VCV002798717.3), dbSNP rs973575962, ClinGen allele CA148260581.